The following is an entry in ClinVar:

ClinVar aggregate classification (germline): Uncertain significance. Review status: criteria provided, multiple submitters, no conflicts (2 of 4 stars). 3 submissions from 3 submitters: Uncertain significance (3). Last evaluated 2024-10-09.

Conditions:
Inborn genetic diseases. Identifiers: MedGen C0950123, MeSH D030342.

Allele frequency attached by ClinVar (database versions not stated): gnomAD 0.00002; TOPMed 0.00002; ExAC 0.00004; gnomAD exomes 0.00004.

Submissions (3):

Ambry Genetics
Classification: Uncertain significance for Inborn genetic diseases. Last evaluated: 2024-10-09. Review status: criteria provided, single submitter. Criteria: Ambry Variant Classification Scheme 2023. Collection method: clinical testing. Allele origin: germline.

Blueprint Genetics
Classification: Uncertain significance. Last evaluated: 2023-05-12. Review status: criteria provided, single submitter. Criteria: ACMG Guidelines, 2015. Collection method: clinical testing. Allele origin: germline.

Labcorp Genetics (formerly Invitae), Labcorp
Classification: Uncertain significance. Last evaluated: 2022-05-25. Review status: criteria provided, single submitter. Criteria: Invitae Variant Classification Sherloc (09022015). Collection method: clinical testing. Allele origin: germline.
Comment: This sequence change replaces glutamic acid, which is acidic and polar, with lysine, which is basic and polar, at codon 392 of the KIAA1549 protein (p.Glu392Lys). This variant is present in population databases (rs759129177, gnomAD 0.07%). This variant has not been reported in the literature in individuals affected with KIAA1549-related conditions. Algorithms developed to predict the effect of missense changes on protein structure and function output the following: SIFT: "Tolerated"; PolyPhen-2: "Benign"; Align-GVGD: "Class C0". The lysine amino acid residue is found in multiple mammalian species, which suggests that this missense change does not adversely affect protein function. In summary, the available evidence is currently insufficient to determine the role of this variant in disease. Therefore, it has been classified as a Variant of Uncertain Significance.

NM_001164665.2(KIAA1549):c.1174G>A (p.Glu392Lys)

Gene: KIAA1549 (KIAA1549; minus strand). Cytogenetic location: 7q34.
Variant type: single nucleotide variant.
Coding change: c.1174G>A on transcript NM_001164665.2 (MANE Select); coding-DNA position 1174, G replaced by A.
Protein change: p.Glu392Lys; replaces glutamic acid 392 with lysine.
Molecular consequence: missense variant.
Genome position (GRCh38, 1-based): chr7:138,918,452, C>T on the plus strand (G>A on the coding strand, the complement: KIAA1549 is on the minus strand). VCF-style: chr7-138918452-C-T. GRCh37 (hg19) VCF-style: chr7-138603198-C-T.
Other names: c.1174G>A, p.Glu392Lys (NM_020910.3); c.1174G>A (NM_001164665.1); short protein forms E392K.
Identifiers: ClinVar variation 1903863 (VCV001903863.4), dbSNP rs759129177, ClinGen allele CA4506786.